The following is an entry in ClinVar:

ClinVar aggregate classification (germline): Uncertain significance (1 of 4 stars; one submission).

Conditions:
Autosomal recessive severe congenital neutropenia due to CSF3R deficiency. Also called: Neutropenia, severe congenital, 7, autosomal recessive. Identifiers: Orphanet 420702, MedGen C4310764, MONDO:0014865, OMIM 617014.

Allele frequency attached by ClinVar (database versions not stated): gnomAD exomes below 0.00001; TOPMed below 0.00001.
gnomAD v4.1: 3 of 1,613,332 alleles (0.00019%); highest among the groups gnomAD compares: Non-Finnish European, 0.00025%; no homozygotes.

Submission:

Labcorp Genetics (formerly Invitae), Labcorp
Classification: Uncertain significance for Autosomal recessive severe congenital neutropenia due to CSF3R deficiency. Last evaluated: 2018-10-04. Review status: criteria provided, single submitter. Criteria: Invitae Variant Classification Sherloc (09022015). Collection method: clinical testing. Allele origin: germline.
Comment: This sequence change replaces histidine with arginine at codon 828 of the CSF3R protein (p.His828Arg). The histidine residue is moderately conserved and there is a small physicochemical difference between histidine and arginine. This variant is not present in population databases (ExAC no frequency). This variant has not been reported in the literature in individuals with CSF3R-related disease. Algorithms developed to predict the effect of missense changes on protein structure and function (SIFT, PolyPhen-2, Align-GVGD) all suggest that this variant is likely to be tolerated, but these predictions have not been confirmed by published functional studies and their clinical significance is uncertain. In summary, the available evidence is currently insufficient to determine the role of this variant in disease. Therefore, it has been classified as a Variant of Uncertain Significance.

NM_000760.4(CSF3R):c.2483A>G (p.His828Arg)

Gene: CSF3R (colony stimulating factor 3 receptor; minus strand). Cytogenetic location: 1p34.3.
Variant type: single nucleotide variant.
Coding change: c.2483A>G on transcript NM_000760.4 (MANE Select); coding-DNA position 2483, A replaced by G.
Protein change: p.His828Arg; replaces histidine 828 with arginine.
Molecular consequence: missense variant. On other transcripts: intron variant (1).
Genome position (GRCh38, 1-based): chr1:36,466,385, T>C on the plus strand (A>G on the coding strand, the complement: CSF3R is on the minus strand). VCF-style: chr1-36466385-T-C. GRCh37 (hg19) VCF-style: chr1-36931986-T-C.
Other names: c.2564A>G, p.His855Arg (LRG_144t1, NM_156039.3); c.2248-185A>G (NM_172313.3); short protein forms H828R, H855R.
Identifiers: ClinVar variation 658414 (VCV000658414.8), dbSNP rs1272584212, ClinGen allele CA339412653.
Genomic context (GRCh38, chr1:36,466,385, plus strand): 5'-AGGCAGGCCCAAGAAGGGAACCCCAGGAAGCCCTAGAAGCTCCCCAGCGCCTCCATCCCA[T>C]GGACCCGGATCCCCTGCAGGAGGGGGAAGTTGAGCAGTGGCCCAAAGACACAGTCGTCCT-3'
Protein context (NP_000751.1, residues 818-836): NFPLLQGIRV[His828Arg]GMEALGSF